The following is an entry in ClinVar:

NM_004360.5(CDH1):c.2227C>A (p.Pro743Thr)

Gene: CDH1 (cadherin 1; plus strand). Cytogenetic location: 16q22.1.
Variant type: single nucleotide variant.
Coding change: c.2227C>A on transcript NM_004360.5 (MANE Select); coding-DNA position 2227, C replaced by A.
Protein change: p.Pro743Thr; replaces proline 743 with threonine.
Molecular consequence: missense variant.
Genome position (GRCh38, 1-based): chr16:68,828,236, C>A. VCF-style: chr16-68828236-C-A. GRCh37 (hg19) VCF-style: chr16-68862139-C-A.
Other names: c.2044C>A, p.Pro682Thr (NM_001317184.2); c.679C>A, p.Pro227Thr (NM_001317185.2); c.262C>A, p.Pro88Thr (NM_001317186.2); c.2227C>A (LRG_301t1); short protein forms P743T, P88T, P227T, P682T.
Identifiers: ClinVar variation 479523 (VCV000479523.18), dbSNP rs786203005, ClinGen allele CA396469685.

ClinVar aggregate classification (germline): Uncertain significance. Review status: criteria provided, multiple submitters, no conflicts (2 of 4 stars). 3 submissions from 3 submitters: Uncertain significance (3). Last evaluated 2025-10-16.

Conditions:
Hereditary cancer-predisposing syndrome. Also called: Tumor predisposition; Neoplastic Syndromes, Hereditary; Hereditary Cancer Syndrome; Hereditary neoplastic syndrome. Identifiers: Orphanet 140162, MedGen C0027672, MeSH D009386, MONDO:0015356.
Hereditary diffuse gastric adenocarcinoma (HDGC). Also called: DIFFUSE GASTRIC AND LOBULAR BREAST CANCER SYNDROME. Identifiers: Orphanet 26106, MedGen C1708349, MONDO:0007648, OMIM 137215.

gnomAD v4.1: 2 of 1,613,760 alleles (0.00012%); highest among the groups gnomAD compares: Middle Eastern, 0.017%; no homozygotes.

Submissions (3):

Ambry Genetics
Classification: Uncertain significance for Hereditary cancer-predisposing syndrome. Last evaluated: 2025-10-16. Review status: criteria provided, single submitter. Criteria: Ambry Variant Classification Scheme 2023. Collection method: clinical testing. Allele origin: germline.
Comment: The p.P743T variant (also known as c.2227C>A), located in coding exon 14 of the CDH1 gene, results from a C to A substitution at nucleotide position 2227. The proline at codon 743 is replaced by threonine, an amino acid with highly similar properties. This amino acid position is well conserved in available vertebrate species. In addition, this alteration is predicted to be tolerated by in silico analysis. Since supporting evidence is limited at this time, the clinical significance of this alteration remains unclear.

Labcorp Genetics (formerly Invitae), Labcorp
Classification: Uncertain significance for Hereditary diffuse gastric adenocarcinoma. Last evaluated: 2024-02-26. Review status: criteria provided, single submitter. Criteria: Invitae Variant Classification Sherloc (09022015). Collection method: clinical testing. Allele origin: germline.
Comment: This sequence change replaces proline, which is neutral and non-polar, with threonine, which is neutral and polar, at codon 743 of the CDH1 protein (p.Pro743Thr). This variant is not present in population databases (gnomAD no frequency). This variant has not been reported in the literature in individuals affected with CDH1-related conditions. ClinVar contains an entry for this variant (Variation ID: 479523). An algorithm developed to predict the effect of missense changes on protein structure and function (PolyPhen-2) suggests that this variant is likely to be disruptive. In summary, the available evidence is currently insufficient to determine the role of this variant in disease. Therefore, it has been classified as a Variant of Uncertain Significance.

Quest Diagnostics Nichols Institute San Juan Capistrano
Classification: Uncertain significance. Last evaluated: 2020-01-30. Review status: criteria provided, single submitter. Criteria: Quest Diagnostics criteria. Collection method: clinical testing. Allele origin: unknown.